The following is an entry in ClinVar:

ClinVar aggregate classification (germline): Uncertain significance (1 of 4 stars; one submission).

Conditions:
Dilated cardiomyopathy 1G (CMD1G). Identifiers: Orphanet 154, MedGen C1858763, MONDO:0011400, OMIM 604145.
Autosomal recessive limb-girdle muscular dystrophy type 2J (LGMDR10). Also called: MUSCULAR DYSTROPHY, LIMB-GIRDLE, AUTOSOMAL RECESSIVE 10; Limb-girdle muscular dystrophy, type 2J. Identifiers: Orphanet 140922, MedGen C1837342, MONDO:0012127, OMIM 608807.

Allele frequency attached by ClinVar (database versions not stated): gnomAD exomes below 0.00001; ExAC 0.00001.
gnomAD v4.1: 1 of 1,613,920 alleles (0.000062%); highest among the groups gnomAD compares: Non-Finnish European, 0.000085%; no homozygotes.

Submission:

Labcorp Genetics (formerly Invitae), Labcorp
Classification: Uncertain significance for Dilated cardiomyopathy 1G; Autosomal recessive limb-girdle muscular dystrophy type 2J. Last evaluated: 2025-07-16. Review status: criteria provided, single submitter. Criteria: Invitae Variant Classification Sherloc (09022015). Collection method: clinical testing. Allele origin: germline.
Comment: This sequence change replaces proline, which is neutral and non-polar, with leucine, which is neutral and non-polar, at codon 34622 of the TTN protein (p.Pro34622Leu). This variant is present in population databases (rs762716728, gnomAD 0.0009%). This variant has not been reported in the literature in individuals affected with TTN-related conditions. ClinVar contains an entry for this variant (Variation ID: 1374476). Experimental studies and prediction algorithms are not available or were not evaluated, and the functional significance of this variant is currently unknown. This variant is located in the M band of TTN (PMID: 25589632). Non-truncating variants in this region may be relevant for neuromuscular disorders, but have not been definitively shown to cause cardiomyopathy (PMID: 23975875). In summary, the available evidence is currently insufficient to determine the role of this variant in disease. Therefore, it has been classified as a Variant of Uncertain Significance.

Literature cited by the submitters: PubMed 25589632; PubMed 23975875.

NM_001267550.2(TTN):c.103865C>T (p.Pro34622Leu)

Genes: TTN (titin; minus strand), TTN-AS1 (TTN antisense RNA 1; plus strand). Cytogenetic location: 2q31.2.
Variant type: single nucleotide variant.
Coding change: c.103865C>T on transcript NM_001267550.2 (MANE Select); coding-DNA position 103865, C replaced by T.
Protein change: p.Pro34622Leu; replaces proline 34622 with leucine.
Molecular consequence: missense variant.
Genome position (GRCh38, 1-based): chr2:178,532,750, G>A on the plus strand (C>T on the coding strand, the complement: TTN is on the minus strand). VCF-style: chr2-178532750-G-A. GRCh37 (hg19) VCF-style: chr2-179397477-G-A.
Other names: c.98942C>T, p.Pro32981Leu (NM_001256850.1); c.76670C>T, p.Pro25557Leu (NM_003319.4); c.96161C>T, p.Pro32054Leu (NM_133378.4); c.77045C>T, p.Pro25682Leu (NM_133432.3); c.77246C>T, p.Pro25749Leu (NM_133437.4); short protein forms P25749L, P32054L, P25557L, P25682L, P32981L, P34622L.
Identifiers: ClinVar variation 1374476 (VCV001374476.8), dbSNP rs762716728, ClinGen allele CA1985531.